The following is an entry in ClinVar:

NM_018965.4(TREM2):c.*107_*108delinsAG

Gene: TREM2 (triggering receptor expressed on myeloid cells 2; minus strand). Cytogenetic location: 6p21.1.
Variant type: Indel.
Coding change: c.*107_*108delinsAG on transcript NM_018965.4 (MANE Select); 107 bases downstream of the stop codon through 108 bases downstream of the stop codon, GA replaced by AG.
Molecular consequence: 3 prime UTR variant. On other transcripts: missense variant (1).
Genome position (GRCh38, 1-based): chr6:41,158,656-41,158,657, TC replaced by CT on the plus strand (GA replaced by AG on the coding strand, the reverse complement: TREM2 is on the minus strand). VCF-style: chr6-41158656-TC-CT. GRCh37 (hg19) VCF-style: chr6-41126394-TC-CT.
Other names: c.606_607delinsAG, p.Thr203Ala (NM_001271821.2); short protein forms T203A.
Identifiers: ClinVar variation 1508060 (VCV001508060.4), dbSNP rs2113876736, ClinGen allele CA2573140829.

ClinVar aggregate classification (germline): Uncertain significance (1 of 4 stars; one submission).

Submission:

Labcorp Genetics (formerly Invitae), Labcorp
Classification: Uncertain significance. Last evaluated: 2023-10-03. Review status: criteria provided, single submitter. Criteria: Invitae Variant Classification Sherloc (09022015). Collection method: clinical testing. Allele origin: germline.
Comment: The TREM2 gene has multiple clinically relevant transcripts. This variant occurs in alternate transcript NM_001271821.1, and corresponds to NM_018965.3:c.*107_*108delinsAG in the primary transcript. This sequence change replaces threonine, which is neutral and polar, with alanine, which is neutral and non-polar, at codon 203 of the TREM2 protein (p.Thr203Ala). Information on the frequency of this variant in the gnomAD database is not available, as this variant may be reported differently in the database. This variant has not been reported in the literature in individuals affected with TREM2-related conditions. ClinVar contains an entry for this variant (Variation ID: 1508060). Experimental studies and prediction algorithms are not available or were not evaluated, and the functional significance of this variant is currently unknown. In summary, the available evidence is currently insufficient to determine the role of this variant in disease. Therefore, it has been classified as a Variant of Uncertain Significance.